The following is an entry in ClinVar:

ClinVar aggregate classification (germline): Pathogenic (1 of 4 stars; one submission).

Conditions:
Siddiqi syndrome. Also called: DEAFNESS, DYSTONIA, DEVELOPMENTAL DELAY, AND POOR GROWTH. Identifiers: MedGen C5231435, MONDO:0032842, OMIM 618635.

Submission:

Women's Health and Genetics/Laboratory Corporation of America, LabCorp
Classification: Pathogenic for Siddiqi syndrome. Last evaluated: 2025-04-23. Review status: criteria provided, single submitter. Criteria: LabCorp Variant Classification Summary - May 2015. Collection method: clinical testing. Allele origin: germline.
Comment: Variant summary: FITM2 c.367C>T (p.Gln123X) results in a premature termination codon, predicted to cause a truncation of the encoded protein. Nonsense mediated decay is not predicted, however variants downsteam has been observed in individuals affected with Siddiqi syndrome. The variant was absent in 251102 control chromosomes. To our knowledge, no occurrence of c.367C>T in individuals affected with Siddiqi Syndrome and no experimental evidence demonstrating its impact on protein function have been reported. No submitters have cited clinical-significance assessments for this variant to ClinVar. Based on the evidence outlined above, the variant was classified as pathogenic.

NM_001080472.4(FITM2):c.367C>T (p.Gln123Ter)

Gene: FITM2 (fat storage inducing transmembrane protein 2; minus strand). Cytogenetic location: 20q13.12.
Variant type: single nucleotide variant.
Coding change: c.367C>T on transcript NM_001080472.4 (MANE Select); coding-DNA position 367, C replaced by T.
Protein change: p.Gln123Ter; replaces glutamine 123 with a stop codon.
Molecular consequence: nonsense.
Genome position (GRCh38, 1-based): chr20:44,307,047, G>A on the plus strand (C>T on the coding strand, the complement: FITM2 is on the minus strand). VCF-style: chr20-44307047-G-A. GRCh37 (hg19) VCF-style: chr20-42935687-G-A.
Other names: short protein forms Q123*.
Identifiers: ClinVar variation 3896667 (VCV003896667.2).